The following is an entry in ClinVar:

NM_144658.4(DOCK11):c.4933G>A (p.Val1645Ile)

Gene: DOCK11 (dedicator of cytokinesis 11; plus strand). Cytogenetic location: Xq24.
Variant type: single nucleotide variant.
Coding change: c.4933G>A on transcript NM_144658.4 (MANE Select); coding-DNA position 4933, G replaced by A.
Protein change: p.Val1645Ile; replaces valine 1645 with isoleucine.
Molecular consequence: missense variant.
Genome position (GRCh38, 1-based): chrX:118,654,925, G>A. VCF-style: chrX-118654925-G-A. GRCh37 (hg19) VCF-style: chrX-117788888-G-A.
Other names: short protein forms V1645I.
Identifiers: ClinVar variation 4979174 (VCV004979174.1).

ClinVar aggregate classification (germline): Likely benign (1 of 4 stars; one submission).

Conditions:
DOCK11-related disorder. Also called: DOCK11-related condition.

gnomAD v4.1: 3,197 of 1,208,142 alleles (0.26%); highest among the groups gnomAD compares: Non-Finnish European, 0.32%; 2 homozygotes.

Submission:

PreventionGenetics, part of Exact Sciences
Classification: Likely benign for DOCK11-related condition. Last evaluated: 2024-12-20. Review status: criteria provided, single submitter. Criteria: ACMG Guidelines, 2015. Collection method: clinical testing. Allele origin: germline.
Comment: This variant is classified as likely benign based on ACMG/AMP sequence variant interpretation guidelines (Richards et al. 2015 PMID: 25741868, with internal and published modifications).